The following is an entry in ClinVar:

ClinVar aggregate classification (germline): Uncertain significance (1 of 4 stars; one submission).

Submission:

Labcorp Genetics (formerly Invitae), Labcorp
Classification: Uncertain significance. Last evaluated: 2024-07-30. Review status: criteria provided, single submitter. Criteria: Invitae Variant Classification Sherloc (09022015). Collection method: clinical testing. Allele origin: germline.
Comment: This sequence change replaces aspartic acid, which is acidic and polar, with valine, which is neutral and non-polar, at codon 834 of the BRWD3 protein (p.Asp834Val). This variant is not present in population databases (gnomAD no frequency). This variant has not been reported in the literature in individuals affected with BRWD3-related conditions. An algorithm developed to predict the effect of missense changes on protein structure and function (PolyPhen-2) suggests that this variant is likely to be tolerated. In summary, the available evidence is currently insufficient to determine the role of this variant in disease. Therefore, it has been classified as a Variant of Uncertain Significance.

NM_153252.5(BRWD3):c.2501A>T (p.Asp834Val)

Gene: BRWD3 (bromodomain and WD repeat domain containing 3; minus strand). Cytogenetic location: Xq21.1.
Variant type: single nucleotide variant.
Coding change: c.2501A>T on transcript NM_153252.5 (MANE Select); coding-DNA position 2501, A replaced by T.
Protein change: p.Asp834Val; replaces aspartic acid 834 with valine.
Molecular consequence: missense variant.
Genome position (GRCh38, 1-based): chrX:80,707,478, T>A on the plus strand (A>T on the coding strand, the complement: BRWD3 is on the minus strand). VCF-style: chrX-80707478-T-A. GRCh37 (hg19) VCF-style: chrX-79962977-T-A.
Other names: short protein forms D834V.
Identifiers: ClinVar variation 3660220 (VCV003660220.2).
Genomic context (GRCh38, chrX:80,707,478, plus strand): 5'-TAAAACTACCTGGAAGAACTTTCACTTTGCCATTCAACAACAGGATCCTCTACCGAAGCG[T>A]CACTTGTGCCAACAGTTTCATCTTCCTACAACAAAGAGCCAGCAATTAAGATATATGGAT-3'
Protein context (NP_694984.5, residues 824-844): SEEDETVGTS[Asp834Val]ASVEDPVVEW